The following is an entry in ClinVar:

NM_206933.4(USH2A):c.607C>G (p.Leu203Val)

Gene: USH2A (usherin; minus strand). Cytogenetic location: 1q41.
Variant type: single nucleotide variant.
Coding change: c.607C>G on transcript NM_206933.4 (MANE Select); coding-DNA position 607, C replaced by G.
Protein change: p.Leu203Val; replaces leucine 203 with valine.
Molecular consequence: missense variant.
Genome position (GRCh38, 1-based): chr1:216,418,558, G>C on the plus strand (C>G on the coding strand, the complement: USH2A is on the minus strand). VCF-style: chr1-216418558-G-C. GRCh37 (hg19) VCF-style: chr1-216591900-G-C.
Other names: c.607C>G, p.Leu203Val (NM_007123.6); short protein forms L203V.
Identifiers: ClinVar variation 1978957 (VCV001978957.4), dbSNP rs2527646130, ClinGen allele CA344902329.

ClinVar aggregate classification (germline): Uncertain significance (1 of 4 stars; one submission).

Submission:

Labcorp Genetics (formerly Invitae), Labcorp
Classification: Uncertain significance. Last evaluated: 2022-11-22. Review status: criteria provided, single submitter. Criteria: Invitae Variant Classification Sherloc (09022015). Collection method: clinical testing. Allele origin: germline.
Comment: In summary, the available evidence is currently insufficient to determine the role of this variant in disease. Therefore, it has been classified as a Variant of Uncertain Significance. Advanced modeling of protein sequence and biophysical properties (such as structural, functional, and spatial information, amino acid conservation, physicochemical variation, residue mobility, and thermodynamic stability) performed at Invitae indicates that this missense variant is not expected to disrupt USH2A protein function. This variant has not been reported in the literature in individuals affected with USH2A-related conditions. This variant is not present in population databases (gnomAD no frequency). This sequence change replaces leucine, which is neutral and non-polar, with valine, which is neutral and non-polar, at codon 203 of the USH2A protein (p.Leu203Val).